The following is an entry in ClinVar:

NM_001375834.1(WIPF1):c.1085G>A (p.Ser362Asn)

Gene: WIPF1 (WAS/WASL interacting protein family member 1; minus strand). Cytogenetic location: 2q31.1.
Variant type: single nucleotide variant.
Coding change: c.1085G>A on transcript NM_001375834.1 (MANE Select); coding-DNA position 1085, G replaced by A.
Protein change: p.Ser362Asn; replaces serine 362 with asparagine.
Molecular consequence: missense variant.
Genome position (GRCh38, 1-based): chr2:174,571,720, C>T on the plus strand (G>A on the coding strand, the complement: WIPF1 is on the minus strand). VCF-style: chr2-174571720-C-T. GRCh37 (hg19) VCF-style: chr2-175436448-C-T.
Other names: c.1085G>A, p.Ser362Asn (NM_001077269.1, NM_001375832.1, NM_001375833.1 and 5 more transcripts); c.707G>A, p.Ser236Asn (NM_001375839.1); short protein forms S362N, S236N.
Identifiers: ClinVar variation 540144 (VCV000540144.7), dbSNP rs779795011, ClinGen allele CA349340009.

ClinVar aggregate classification (germline): Uncertain significance (1 of 4 stars; one submission).

Conditions:
Wiskott-Aldrich syndrome 2 (WAS2). Also called: WIPF1 DEFICIENCY. Identifiers: Orphanet 906, MedGen C3281001, MONDO:0013779, OMIM 614493.

gnomAD v4.1: 7 of 1,614,090 alleles (0.00043%); highest among the groups gnomAD compares: Non-Finnish European, 0.00051%; no homozygotes.

Submission:

Labcorp Genetics (formerly Invitae), Labcorp
Classification: Uncertain significance for Wiskott-Aldrich syndrome 2. Last evaluated: 2021-04-22. Review status: criteria provided, single submitter. Criteria: Invitae Variant Classification Sherloc (09022015). Collection method: clinical testing. Allele origin: germline.
Comment: In summary, the available evidence is currently insufficient to determine the role of this variant in disease. Therefore, it has been classified as a Variant of Uncertain Significance. Algorithms developed to predict the effect of missense changes on protein structure and function output the following: SIFT: "Tolerated"; PolyPhen-2: "Benign"; Align-GVGD: "Class C0". The asparagine amino acid residue is found in multiple mammalian species, suggesting that this missense change does not adversely affect protein function. These predictions have not been confirmed by published functional studies and their clinical significance is uncertain. This variant has not been reported in the literature in individuals with WIPF1-related disease. This variant is not present in population databases (ExAC no frequency). This sequence change replaces serine with asparagine at codon 362 of the WIPF1 protein (p.Ser362Asn). The serine residue is weakly conserved and there is a small physicochemical difference between serine and asparagine.